The following is an entry in ClinVar:

ClinVar aggregate classification (germline): Conflicting classifications of pathogenicity. Review status: criteria provided, conflicting classifications (1 of 4 stars). 3 submissions from 3 submitters: Uncertain significance (2); Likely benign (1). Last evaluated 2025-04-01.

Conditions:
Inborn genetic diseases. Identifiers: MedGen C0950123, MeSH D030342.
Ullrich congenital muscular dystrophy 2 (UCMD2). Identifiers: Orphanet 75840, MedGen C4225314, MONDO:0014654, OMIM 616470.
Bethlem myopathy 2 (BTHLM2). Identifiers: Orphanet 536516, Orphanet 610, MedGen C4225313, MONDO:0034022, OMIM 616471.

Allele frequency attached by ClinVar (database versions not stated): ExAC 0.00001; gnomAD exomes 0.00001 and 0.00003; TOPMed 0.00002; gnomAD 0.00003 and 0.00004; ESP Exome Variant Server 0.00008.
gnomAD v4.1: 19 of 1,613,960 alleles (0.0012%); highest among the groups gnomAD compares: Admixed American, 0.022%; no homozygotes.

Submissions (3):

Ambry Genetics
Classification: Uncertain significance for Inborn genetic diseases. Last evaluated: 2025-04-01. Review status: criteria provided, single submitter. Criteria: Ambry Variant Classification Scheme 2023. Collection method: clinical testing. Allele origin: germline.

Labcorp Genetics (formerly Invitae), Labcorp
Classification: Likely benign for Bethlem myopathy 2; Ullrich congenital muscular dystrophy 2. Last evaluated: 2022-11-16. Review status: criteria provided, single submitter. Criteria: Invitae Variant Classification Sherloc (09022015). Collection method: clinical testing. Allele origin: germline.

Women's Health and Genetics/Laboratory Corporation of America, LabCorp
Classification: Uncertain significance. Last evaluated: 2019-08-01. Review status: criteria provided, single submitter. Criteria: LabCorp Variant Classification Summary - May 2015. Collection method: clinical testing. Allele origin: germline.
Comment: Variant summary: COL12A1 c.2314C>T (p.Pro772Ser) results in a non-conservative amino acid change located in a fibronectin type III repeat (IPR003961) in the encoded protein sequence. Four of five in-silico tools predict a benign effect of the variant on protein function. The variant allele was found at a frequency of 3.6e-05 in 280790 control chromosomes (gnomAD). The available data on variant occurrences in the general population are insufficient to allow any conclusion about variant significance. To our knowledge, no occurrence of c.2314C>T in individuals affected with Bethlem myopathy 2 and no experimental evidence demonstrating its impact on protein function have been reported. One submitter has provided clinical-significance assessments for this variant to ClinVar after 2014 without evidence for independent evaluation and classified the variant as uncertain significance. Based on the evidence outlined above, the variant was classified as uncertain significance.

NM_004370.6(COL12A1):c.2314C>T (p.Pro772Ser)

Gene: COL12A1 (collagen type XII alpha 1 chain; minus strand). Cytogenetic location: 6q13.
Variant type: single nucleotide variant.
Coding change: c.2314C>T on transcript NM_004370.6 (MANE Select); coding-DNA position 2314, C replaced by T.
Protein change: p.Pro772Ser; replaces proline 772 with serine.
Molecular consequence: missense variant. On other transcripts: intron variant (1).
Genome position (GRCh38, 1-based): chr6:75,177,786, G>A on the plus strand (C>T on the coding strand, the complement: COL12A1 is on the minus strand). VCF-style: chr6-75177786-G-A. GRCh37 (hg19) VCF-style: chr6-75887502-G-A.
Other names: c.73+24934C>T (NM_080645.3); short protein forms P772S.
Identifiers: ClinVar variation 566274 (VCV000566274.11), dbSNP rs370256196, ClinGen allele CA3894007.